The following is an entry in ClinVar:

ClinVar aggregate classification (germline): Likely pathogenic. Review status: criteria provided, multiple submitters, no conflicts (2 of 4 stars). 2 submissions from 2 submitters: Likely pathogenic (2). Last evaluated 2025-07-18.

Conditions:
Cystic fibrosis (CF). Also called: MUCOVISCIDOSIS. Identifiers: Orphanet 586, MedGen C0010674, MONDO:0009061, OMIM 219700. Disease mechanism: loss of function.

Submissions (2):

Women's Health and Genetics/Laboratory Corporation of America, LabCorp
Classification: Likely pathogenic for Cystic fibrosis. Last evaluated: 2025-07-18. Review status: criteria provided, single submitter. Criteria: LabCorp Variant Classification Summary - May 2015. Collection method: clinical testing. Allele origin: germline.
Comment: Variant summary: CFTR c.1390A>G (p.Lys464Glu) results in a conservative amino acid change in the encoded protein sequence. Algorithms developed to predict the effect of missense changes on protein structure and function are either unavailable or do not agree on the potential impact of this missense change. Several computational tools predict a significant impact on normal splicing: Two predict the variant weakens a 5' donor site. One predict the variant no significant impact on splicing. However, these predictions have yet to be confirmed by functional studies. The frequency data for this variant in gnomAD is considered unreliable, as metrics indicate poor data quality at this position. c.1390A>G has been observed in individual(s) affected with Cystic Fibrosis or Congenital absence of vas deferens (Bakhat_2024, De Wachter_2017, Ramalho_2021). At least one publication reports experimental evidence evaluating an impact on protein function. The most pronounced variant effect resulted in less than 1% of normal chloride channel conductance relative to wild type (e.g., Bihler_2024). The following publications have been ascertained in the context of this evaluation (PMID: 39356031, 38388235, 28830496, 32747394). ClinVar contains an entry for this variant (Variation ID: 973893). Based on the evidence outlined above, the variant was classified as likely pathogenic.

Johns Hopkins Genomics, Johns Hopkins University
Classification: Likely pathogenic for Cystic fibrosis. Last evaluated: 2020-02-19. Review status: criteria provided, single submitter. Criteria: ACMG Guidelines, 2015. Collection method: clinical testing. Allele origin: germline.
Comment: This variant has been identified in patients with features of cystic fibrosis and it is absent from a large population dataset. The lysine residue at this position is predicted to be in the highly conserved Walker A motif of the first nucleotide binding domain of CFTR. The functional consequence of p.Lys464Glu has not been assessed, but studies of a different substitution at this residue (p.Lys464Ala) demonstrate the importance of this amino acid in CFTR function. Three bioinformatics tools predict that p.Lys464Glu would possibly be damaging and lysine at this position is evolutionarily conserved among all species assessed. We consider c.1390A>G to be likely pathogenic.

Literature cited by the submitters: PubMed 28830496 (cited by Women's Health and Genetics/Laboratory Corporation of America, LabCorp); PubMed 32747394 (cited by Women's Health and Genetics/Laboratory Corporation of America, LabCorp); PubMed 38388235 (cited by Women's Health and Genetics/Laboratory Corporation of America, LabCorp); PubMed 39356031 (cited by Women's Health and Genetics/Laboratory Corporation of America, LabCorp); PubMed 11882668 (cited by Johns Hopkins Genomics, Johns Hopkins University); PubMed 16989640 (cited by Johns Hopkins Genomics, Johns Hopkins University).

NM_000492.4(CFTR):c.1390A>G (p.Lys464Glu)

Genes: CFTR-AS1 (CFTR antisense RNA 1; minus strand), CFTR (CF transmembrane conductance regulator; plus strand). Cytogenetic location: 7q31.2.
Variant type: single nucleotide variant.
Coding change: c.1390A>G on transcript NM_000492.4 (MANE Select); coding-DNA position 1390, A replaced by G.
Protein change: p.Lys464Glu; replaces lysine 464 with glutamic acid.
Molecular consequence: missense variant.
Genome position (GRCh38, 1-based): chr7:117,548,821, A>G. VCF-style: chr7-117548821-A-G. GRCh37 (hg19) VCF-style: chr7-117188875-A-G.
Other names: short protein forms K464E.
Identifiers: ClinVar variation 973893 (VCV000973893.2), dbSNP rs1799216615, ClinGen allele CA368982594.